The following is an entry in ClinVar:

ClinVar aggregate classification (germline): Uncertain significance (1 of 4 stars; one submission).

Conditions:
Cardiovascular phenotype. Identifiers: MedGen CN230736.

gnomAD v4.1: 2 of 1,613,406 alleles (0.00012%); highest among the groups gnomAD compares: Non-Finnish European, 0.00017%; no homozygotes.

Submission:

Ambry Genetics
Classification: Uncertain significance for Cardiovascular phenotype. Last evaluated: 2026-08-31. Review status: criteria provided, single submitter. Criteria: Ambry Variant Classification Scheme 2023. Collection method: clinical testing. Allele origin: germline.
Comment: The p.A442T variant (also known as c.1324G>A), located in coding exon 8 of the PCSK9 gene, results from a G to A substitution at nucleotide position 1324. The alanine at codon 442 is replaced by threonine, an amino acid with similar properties. This amino acid position is conserved. In addition, this alteration is predicted to be tolerated by in silico analysis. Based on the available evidence, the clinical significance of this variant remains unclear.

NM_174936.4(PCSK9):c.1324G>A (p.Ala442Thr)

Gene: PCSK9 (proprotein convertase subtilisin/kexin type 9; plus strand). Cytogenetic location: 1p32.3.
Variant type: single nucleotide variant.
Coding change: c.1324G>A on transcript NM_174936.4 (MANE Select); coding-DNA position 1324, G replaced by A.
Protein change: p.Ala442Thr; replaces alanine 442 with threonine.
Molecular consequence: missense variant. On other transcripts: non-coding transcript variant (5), intron variant (2).
Genome position (GRCh38, 1-based): chr1:55,058,179, G>A. VCF-style: chr1-55058179-G-A. GRCh37 (hg19) VCF-style: chr1-55523852-G-A.
Other names: c.1447G>A, p.Ala483Thr (NM_001407240.1); c.1324G>A, p.Ala442Thr (NM_001407241.1); c.1327G>A, p.Ala443Thr (NM_001407242.1); c.1267G>A, p.Ala423Thr (NM_001407243.1); c.1132G>A, p.Ala378Thr (NM_001407245.1); c.949G>A, p.Ala317Thr (NM_001407246.1); c.1181-320G>A (NM_001407244.1); c.1180+665G>A (NM_001407247.1); short protein forms A378T, A317T, A423T, A443T, A442T, A483T.
Identifiers: ClinVar variation 5026368 (VCV005026368.1).